The following is an entry in ClinVar:

NM_001080414.4(CCDC88C):c.5219C>G (p.Ser1740Trp)

Gene: CCDC88C (coiled-coil domain containing 88C; minus strand). Cytogenetic location: 14q32.11.
Variant type: single nucleotide variant.
Coding change: c.5219C>G on transcript NM_001080414.4 (MANE Select); coding-DNA position 5219, C replaced by G.
Protein change: p.Ser1740Trp; replaces serine 1740 with tryptophan.
Molecular consequence: missense variant.
Genome position (GRCh38, 1-based): chr14:91,273,493, G>C on the plus strand (C>G on the coding strand, the complement: CCDC88C is on the minus strand). VCF-style: chr14-91273493-G-C. GRCh37 (hg19) VCF-style: chr14-91739837-G-C.
Other names: short protein forms S1740W.
Identifiers: ClinVar variation 1303546 (VCV001303546.2), dbSNP rs766112055, ClinGen allele CA7308703.

ClinVar aggregate classification (germline): Uncertain significance (1 of 4 stars; one submission).

gnomAD v4.1: 4 of 1,552,018 alleles (0.00026%); highest among the groups gnomAD compares: Non-Finnish European, 0.00026%; no homozygotes.

Submission:

GeneDx
Classification: Uncertain significance. Last evaluated: 2019-08-06. Review status: criteria provided, single submitter. Criteria: GeneDx Variant Classification Process June 2021. Collection method: clinical testing. Allele origin: germline. Affected: yes.
Comment: In silico analysis, which includes protein predictors and evolutionary conservation, supports a deleterious effect; Has not been previously published as pathogenic or benign to our knowledge